The following is an entry in ClinVar:

ClinVar aggregate classification (germline): Pathogenic/Likely pathogenic. Review status: criteria provided, multiple submitters, no conflicts (2 of 4 stars). 12 submissions from 11 submitters: Pathogenic (10); Likely pathogenic (1). 1 of the submissions does not count toward it. Last evaluated 2025-12-19.

Conditions:
PKHD1-related disorder. Also called: PKHD1-related condition.
Polycystic kidney disease 4 (PKD4). Also called: Autosomal Recessive Polycystic Kidney Disease – PKHD1; POLYCYSTIC KIDNEY DISEASE 4 WITH OR WITHOUT POLYCYSTIC LIVER DISEASE; PKD3; POLYCYSTIC KIDNEY AND HEPATIC DISEASE 1; POLYCYSTIC KIDNEY DISEASE, INFANTILE, TYPE I. Identifiers: MedGen C4540575, MONDO:0033004, OMIM 263200.
Autosomal recessive polycystic kidney disease (ARPKD). Also called: AR polycystic kidney disease. Identifiers: Orphanet 731, Orphanet 8378, MedGen C0085548, MeSH D017044, MONDO:0009889.

Allele frequency attached by ClinVar (database versions not stated): gnomAD exomes below 0.00001; gnomAD 0.00001; TOPMed 0.00002.
gnomAD v4.1: 8 of 1,614,024 alleles (0.0005%); highest among the groups gnomAD compares: East Asian, 0.0067%; no homozygotes.

Submissions (12):

PreventionGenetics, part of Exact Sciences
Classification: Pathogenic for PKHD1-related condition. Last evaluated: 2025-12-19. Review status: criteria provided, single submitter. Criteria: ACMG Guidelines, 2015. Collection method: clinical testing. Allele origin: germline.
Comment: The PKHD1 c.1480C>T variant is predicted to result in premature protein termination (p.Arg494*). This variant has been reported to be pathogenic for autosomal recessive polycystic kidney disease (ARPKD) (see examples: Table S2, Denamur et al. 2010. PubMed ID: 19940839; Table S2, Ji et al. 2019. PubMed ID: 30755392). This variant has not been reported in a large population database (gnomAD), indicating this variant is rare. Nonsense variants in PKHD1 are expected to be pathogenic. This variant is interpreted as pathogenic.

Natera, Inc.
Classification: Pathogenic for Autosomal recessive polycystic kidney disease. Last evaluated: 2025-11-17. Review status: criteria provided, single submitter. Criteria: Natera Variant Classification Schema (03/2026). Collection method: clinical testing. Allele origin: germline.
Comment: The c.1480C>T variant in PKHD1 is a nonsense variant predicted to introduce a stop codon at amino acid 494. This variant is expected to result in nonsense mediated decay, truncation, or a dysfunctional protein product. This variant is rare in the general population with a frequency below the threshold expected for the associated phenotype(s). This variant has been observed in one or more individuals affected with the associated recessive disease, as either homozygous or compound heterozygous with a second variant (PMID: 30755392, 29947050). Given the available evidence, this variant is classified as Pathogenic.

Labcorp Genetics (formerly Invitae), Labcorp
Classification: Pathogenic for Autosomal recessive polycystic kidney disease. Last evaluated: 2024-03-13. Review status: criteria provided, single submitter. Criteria: Invitae Variant Classification Sherloc (09022015). Collection method: clinical testing. Allele origin: germline.
Comment: This sequence change creates a premature translational stop signal (p.Arg494*) in the PKHD1 gene. It is expected to result in an absent or disrupted protein product. Loss-of-function variants in PKHD1 are known to be pathogenic (PMID: 19940839). This variant is not present in population databases (gnomAD no frequency). This premature translational stop signal has been observed in individuals with clinical features of polycystic kidney disease (PMID: 15108281, 16523049, 19940839). ClinVar contains an entry for this variant (Variation ID: 189026). For these reasons, this variant has been classified as Pathogenic.

Fulgent Genetics
Classification: Pathogenic for Polycystic kidney disease 4. Last evaluated: 2024-02-08. Review status: criteria provided, single submitter. Criteria: ACMG Guidelines, 2015. Collection method: clinical testing. Allele origin: germline.

Baylor Genetics
Classification: Pathogenic for Polycystic kidney disease 4. Last evaluated: 2023-09-26. Review status: criteria provided, single submitter. Criteria: ACMG Guidelines, 2015. Collection method: clinical testing. Allele origin: unknown.

Genetic Services Laboratory, University of Chicago
Classification: Pathogenic. Last evaluated: 2023-08-11. Review status: criteria provided, single submitter. Criteria: ACMG Guidelines, 2015. Collection method: clinical testing. Allele origin: germline. Affected: yes.
Comment: DNA sequence analysis of the PKHD1 gene demonstrated a sequence change, c.1480C>T, which results in the creation of a premature stop codon at amino acid position 494, p.Arg494*. This sequence change is predicted to result in an abnormal transcript, which may be degraded, or may lead to the production of a truncated PKHD1 protein with potentially abnormal function. This sequence change has not been described in the population databases such as ExAC and gnomAD. This pathogenic sequence change has previously been described in the compound heterozygous state in individuals with polycystic kidney disease (PMID: 16523049, 19940839). Additionally, this variant was identified in an infant with oligohydramnios, enlarged kidneys, pepper salt pattern on prenatal ultrasound, and respiratory distress although a second pathogenic variant was not identified (PMID: 15108281). Based on these evidences, this sequence change is classified as pathogenic.

Blueprint Genetics
Classification: Likely pathogenic for PKHD1-related disorders. Last evaluated: 2022-06-03. Review status: criteria provided, single submitter. Criteria: ACMG Guidelines, 2015. Collection method: clinical testing. Allele origin: germline. Affected: yes. Observed: 1 variant allele.

Center for Personalized Medicine, Children's Hospital Los Angeles
Classification: Pathogenic. Last evaluated: 2018-11-19. Review status: criteria provided, single submitter. Criteria: ACMG Guidelines, 2015. Collection method: clinical testing. Allele origin: germline. Affected: yes.

Women's Health and Genetics/Laboratory Corporation of America, LabCorp
Classification: Pathogenic for Autosomal recessive polycystic kidney disease. Last evaluated: 2017-01-26. Review status: criteria provided, single submitter. Criteria: LabCorp Variant Classification Summary - May 2015. Collection method: clinical testing. Allele origin: germline.
Comment: Variant summary: The PKHD1 c.1480C>T (p.Arg494X) variant results in a premature termination codon, predicted to cause a truncated or absent PKHD1 protein due to nonsense mediated decay, which are commonly known mechanisms for disease. Truncations downstream of this position have been classified as pathogenic by our laboratory (e.g.c.1486C>T/p.Arg496X, c.3761_3762delinsG/p.Ala1254fsX49). One in silico tool predicts a damaging outcome for this variant. This variant has been reported in at least three ARPKD patients and is absent in 121400 control chromosomes. In addition, multiple clinical diagnostic laboratories/reputable databases classified this variant as likely pathogenic/pathogenic. Taken together, this variant is classified as pathogenic.

Eurofins Ntd Llc (ga)
Classification: Pathogenic. Last evaluated: 2016-01-22. Review status: criteria provided, single submitter. Criteria: EGL Classification Definitions 2015. Collection method: clinical testing. Allele origin: germline. Observed: 2 variant alleles, 2 heterozygotes.

Baylor Genetics
Classification: Pathogenic for Polycystic kidney disease 4. Review status: criteria provided, single submitter. Criteria: ACMG Guidelines, 2015. Collection method: clinical testing. Allele origin: germline.

Counsyl
Classification: Likely pathogenic for Polycystic kidney disease, infantile type. Last evaluated: 2014-10-21. Review status: no assertion criteria provided. Collection method: literature only. Allele origin: unknown. Inheritance: Autosomal recessive inheritance. Not counted in ClinVar's aggregate classification.

Literature cited by the submitters: PubMed 30755392 (cited by Natera, Inc.); PubMed 29947050 (cited by Natera, Inc.); PubMed 19940839 (cited by 3 submitters); PubMed 15108281 (cited by 4 submitters); PubMed 16523049 (cited by 3 submitters).

NM_138694.4(PKHD1):c.1480C>T (p.Arg494Ter)

Gene: PKHD1 (PKHD1 ciliary IPT domain containing fibrocystin/polyductin; minus strand). Cytogenetic location: 6p12.2.
Variant type: single nucleotide variant.
Coding change: c.1480C>T on transcript NM_138694.4 (MANE Select); coding-DNA position 1480, C replaced by T.
Protein change: p.Arg494Ter; replaces arginine 494 with a stop codon.
Molecular consequence: nonsense.
Genome position (GRCh38, 1-based): chr6:52,058,355, G>A on the plus strand (C>T on the coding strand, the complement: PKHD1 is on the minus strand). VCF-style: chr6-52058355-G-A. GRCh37 (hg19) VCF-style: chr6-51923153-G-A.
Other names: c.1480C>T, p.Arg494Ter (NM_170724.3); short protein forms R494*.
Identifiers: ClinVar variation 189026 (VCV000189026.33), dbSNP rs754392766, ClinGen allele CA274284.